The following is an entry in ClinVar:

ClinVar aggregate classification (germline): Uncertain significance (1 of 4 stars; one submission).

Conditions:
Malignant hyperthermia, susceptibility to, 5 (MHS5). Also called: CACNA1S-Related Malignant Hyperthermia Susceptibility. Identifiers: Orphanet 423, MedGen C1866077, MONDO:0011163, OMIM 601887.

Submission:

Color Diagnostics, LLC DBA Color Health
Classification: Uncertain significance for Malignant hyperthermia, susceptibility to, 5. Last evaluated: 2025-06-29. Review status: criteria provided, single submitter. Criteria: ACMG Guidelines, 2015. Collection method: clinical testing. Allele origin: germline.
Comment: This missense variant replaces isoleucine with methionine at codon 1328 of the CACNA1S protein. Computational prediction suggests that this variant may have deleterious impact on protein structure and function. To our knowledge, functional studies have not been reported for this variant. This variant has not been reported in individuals affected with CACNA1S-related disorders in the literature. This variant has not been identified in the general population by the Genome Aggregation Database (gnomAD). The available evidence is insufficient to determine the role of this variant in disease conclusively. Therefore, this variant is classified as a Variant of Uncertain Significance.

NM_000069.3(CACNA1S):c.3984C>G (p.Ile1328Met)

Gene: CACNA1S (calcium voltage-gated channel subunit alpha1 S; minus strand). Cytogenetic location: 1q32.1.
Variant type: single nucleotide variant.
Coding change: c.3984C>G on transcript NM_000069.3 (MANE Select); coding-DNA position 3984, C replaced by G.
Protein change: p.Ile1328Met; replaces isoleucine 1328 with methionine.
Molecular consequence: missense variant.
Genome position (GRCh38, 1-based): chr1:201,051,113, G>C on the plus strand (C>G on the coding strand, the complement: CACNA1S is on the minus strand). VCF-style: chr1-201051113-G-C. GRCh37 (hg19) VCF-style: chr1-201020241-G-C.
Other names: short protein forms I1328M.
Identifiers: ClinVar variation 4757146 (VCV004757146.1).